The following is an entry in ClinVar:

ClinVar aggregate classification (germline): Conflicting classifications of pathogenicity. Review status: criteria provided, conflicting classifications (1 of 4 stars). 3 submissions from 3 submitters: Uncertain significance (1); Benign (1); Likely benign (1). Last evaluated 2025-11-03.

Conditions:
Collagen 6-related myopathy. Identifiers: MedGen CN117976, MONDO:0100225.
Bethlem myopathy 1A. Also called: Bethlem myopathy 1; MYOPATHY, BENIGN CONGENITAL, WITH CONTRACTURES; Bethlem Muscular Dystrophy. Identifiers: Orphanet 610, MedGen CN029274, MONDO:0024530, OMIM 158810.

Allele frequency attached by ClinVar (database versions not stated): gnomAD 0.00001 and 0.00009; TOPMed 0.00004; gnomAD exomes 0.00009; 1000 Genomes Project 0.00120; 1000 Genomes Project 30x 0.00156.
gnomAD v4.1: 145 of 1,612,586 alleles (0.009%); highest among the groups gnomAD compares: South Asian, 0.13%; 1 homozygote.

Submissions (3):

Labcorp Genetics (formerly Invitae), Labcorp
Classification: Likely benign for Bethlem myopathy 1A. Last evaluated: 2025-11-03. Review status: criteria provided, single submitter. Criteria: Invitae Variant Classification Sherloc (09022015). Collection method: clinical testing. Allele origin: germline.

Illumina Laboratory Services, Illumina
Classification: Benign for Collagen VI-related myopathy. Last evaluated: 2018-01-13. Review status: criteria provided, single submitter. Criteria: ICSL Variant Classification Criteria 13 December 2019. Collection method: clinical testing. Allele origin: germline.
Comment: This variant was observed in the ICSL laboratory as part of a predisposition screen in an ostensibly healthy population. It had not been previously curated by ICSL or reported in the Human Gene Mutation Database (HGMD: prior to June 1st, 2018), and was therefore a candidate for classification through an automated scoring system. Utilizing variant allele frequency, disease prevalence and penetrance estimates, and inheritance mode, an automated score was calculated to assess if this variant is too frequent to cause the disease. Based on the score and internal cut-off values, a variant classified as benign is not then subjected to further curation. The score for this variant resulted in a classification of benign for this disease.

Eurofins Ntd Llc (ga)
Classification: Uncertain significance. Last evaluated: 2017-05-05. Review status: criteria provided, single submitter. Criteria: EGL Classification Definitions 2015. Collection method: clinical testing. Allele origin: germline. Observed: 5 variant alleles, 5 heterozygotes.

NM_001848.3(COL6A1):c.2637C>T (p.Ser879=)

Gene: COL6A1 (collagen type VI alpha 1 chain; plus strand). Cytogenetic location: 21q22.3.
Variant type: single nucleotide variant.
Coding change: c.2637C>T on transcript NM_001848.3 (MANE Select); coding-DNA position 2637, C replaced by T.
Protein change: p.Ser879=; no amino-acid change (serine 879 retained).
Molecular consequence: synonymous variant.
Genome position (GRCh38, 1-based): chr21:46,003,563, C>T. VCF-style: chr21-46003563-C-T. GRCh37 (hg19) VCF-style: chr21-47423477-C-T.
Identifiers: ClinVar variation 281842 (VCV000281842.19), dbSNP rs540554122, ClinGen allele CA10070986.